The following is an entry in ClinVar:

ClinVar aggregate classification (germline): Uncertain significance. Review status: criteria provided, multiple submitters, no conflicts (2 of 4 stars). 5 submissions from 5 submitters: Uncertain significance (5). Last evaluated 2026-01-13.

Conditions:
COL9A2-related disorder. Also called: COL9A2-related condition.

Allele frequency attached by ClinVar (database versions not stated): gnomAD exomes 0.00003; ExAC 0.00004; gnomAD 0.00004; TOPMed 0.00004.
gnomAD v4.1: 41 of 1,610,218 alleles (0.0025%); highest among the groups gnomAD compares: Non-Finnish European, 0.0026%; no homozygotes.

Submissions (5):

PreventionGenetics, part of Exact Sciences
Classification: Uncertain significance for COL9A2-related condition. Last evaluated: 2026-01-13. Review status: criteria provided, single submitter. Criteria: ACMG Guidelines, 2015. Collection method: clinical testing. Allele origin: germline.
Comment: The COL9A2 c.1918C>T variant is predicted to result in premature protein termination (p.Arg640*). This variant resides in the final exon of this gene, and it is unclear if the resulting mRNA would undergo nonsense-mediated decay. This variant was reported in an individual with persistent short stature (Toni et al. 2023. PubMed ID: 37019085). This variant is reported in 0.0055% of alleles in individuals of European (non-Finnish) descent in gnomAD. At this time, the clinical significance of this variant is uncertain due to the absence of conclusive functional and genetic evidence.

Labcorp Genetics (formerly Invitae), Labcorp
Classification: Uncertain significance. Last evaluated: 2025-07-06. Review status: criteria provided, single submitter. Criteria: Invitae Variant Classification Sherloc (09022015). Collection method: clinical testing. Allele origin: germline.
Comment: This sequence change creates a premature translational stop signal (p.Arg640*) in the COL9A2 gene. While this is not anticipated to result in nonsense mediated decay, it is expected to disrupt the last 50 amino acid(s) of the COL9A2 protein. This variant is present in population databases (rs747162216, gnomAD 0.006%). This premature translational stop signal has been observed in individual(s) with short stature (PMID: 37019085). ClinVar contains an entry for this variant (Variation ID: 488982). In summary, the available evidence is currently insufficient to determine the role of this variant in disease. Therefore, it has been classified as a Variant of Uncertain Significance.

Blueprint Genetics
Classification: Uncertain significance. Last evaluated: 2024-10-30. Review status: criteria provided, single submitter. Criteria: ACMG Guidelines, 2015. Collection method: clinical testing. Allele origin: germline.

Women's Health and Genetics/Laboratory Corporation of America, LabCorp
Classification: Uncertain significance. Last evaluated: 2024-05-22. Review status: criteria provided, single submitter. Criteria: LabCorp Variant Classification Summary - May 2015. Collection method: clinical testing. Allele origin: germline.
Comment: Variant summary: COL9A2 c.1918C>T (p.Arg640X) results in a premature termination codon, predicted to cause a truncation of the encoded protein or absence of the protein, which are commonly known mechanisms for disease. The variant allele was found at a frequency of 2.8e-05 in 247420 control chromosomes. The available data on variant occurrences in the general population are insufficient to allow any conclusion about variant significance. c.1918C>T has been reported in the literature in at least one individual affected with short stature (Toni_2024). These report(s) do not provide unequivocal conclusions about association of the variant with Epiphyseal dysplasia, multiple, 2. To our knowledge, no experimental evidence demonstrating an impact on protein function has been reported. The following publication has been ascertained in the context of this evaluation (PMID: 37019085). ClinVar contains an entry for this variant (Variation ID: 488982). Based on the evidence outlined above, the variant was classified as uncertain significance.

GeneDx
Classification: Uncertain significance. Last evaluated: 2018-01-08. Review status: criteria provided, single submitter. Criteria: GeneDx Variant Classification (06012015). Collection method: clinical testing. Allele origin: germline. Affected: yes.
Comment: A variant of uncertain significance has been identified in the COL9A2 gene. The R640X variant has not been published as pathogenic or been reported as benign to our knowledge. While R640X is predicted to result in protein truncation, no other loss-of-function variants have not been reported in the Human Gene Mutation Database downstream of this position in the protein (Stenson et al., 2014). The R640X variant is observed in 7/125,010 (0.006%) alleles from individuals of European (non-Finnish) ancestry in large population cohorts (Lek et al., 2016).

Literature cited by the submitters: PubMed 37019085 (cited by Labcorp Genetics (formerly Invitae), Labcorp and Women's Health and Genetics/Laboratory Corporation of America, LabCorp).

NM_001852.4(COL9A2):c.1918C>T (p.Arg640Ter)

Gene: COL9A2 (collagen type IX alpha 2 chain; minus strand). Cytogenetic location: 1p34.2.
Variant type: single nucleotide variant.
Coding change: c.1918C>T on transcript NM_001852.4 (MANE Select); coding-DNA position 1918, C replaced by T.
Protein change: p.Arg640Ter; replaces arginine 640 with a stop codon.
Molecular consequence: nonsense.
Genome position (GRCh38, 1-based): chr1:40,301,334, G>A on the plus strand (C>T on the coding strand, the complement: COL9A2 is on the minus strand). VCF-style: chr1-40301334-G-A. GRCh37 (hg19) VCF-style: chr1-40767006-G-A.
Other names: short protein forms R640*.
Identifiers: ClinVar variation 488982 (VCV000488982.13), dbSNP rs747162216, ClinGen allele CA791277.